The following is an entry in ClinVar:

ClinVar aggregate classification (germline): Uncertain significance (1 of 4 stars; one submission).

Conditions:
Catecholaminergic polymorphic ventricular tachycardia (CVPT). Also called: Catecholamine-induced polymorphic ventricular tachycardia. Identifiers: Orphanet 3286, MedGen C5574922, MONDO:0017990.

Submission:

All of Us Research Program, National Institutes of Health
Classification: Uncertain significance for Catecholaminergic polymorphic ventricular tachycardia. Last evaluated: 2023-06-08. Review status: criteria provided, single submitter. Criteria: ACMG Guidelines, 2015. Collection method: clinical testing. Allele origin: germline. Inheritance: Autosomal dominant inheritance. Observed: 1 variant allele, 1 heterozygote.
Comment: This variant changes 1 nucleotide in exon 28 of the RYR2 gene, creating a premature translation stop signal. This variant is expected to result in an absent or non-functional protein product. To our knowledge, this variant has not been reported in individuals affected with cardiovascular disorders in the literature. This variant has not been identified in the general population by the Genome Aggregation Database (gnomAD). The role of loss-of-function RYR2 truncation variants in cardiovascular disorders is not clearly understood. The available evidence is insufficient to determine the role of this variant in disease conclusively. Therefore, this variant is classified as a Variant of Uncertain Significance.

This study involves interpretation of variants in research participants for the purpose of population health screening. Participant phenotype was not available at the time of variant classification. Additional details can be found in publication PMID: 35346344, PMCID: PMC8962531

NM_001035.3(RYR2):c.3310G>T (p.Glu1104Ter)

Gene: RYR2 (ryanodine receptor 2; plus strand). Cytogenetic location: 1q43.
Variant type: single nucleotide variant.
Coding change: c.3310G>T on transcript NM_001035.3 (MANE Select); coding-DNA position 3310, G replaced by T.
Protein change: p.Glu1104Ter; replaces glutamic acid 1104 with a stop codon.
Molecular consequence: nonsense.
Genome position (GRCh38, 1-based): chr1:237,566,662, G>T. VCF-style: chr1-237566662-G-T. GRCh37 (hg19) VCF-style: chr1-237729962-G-T.
Other names: short protein forms E1104*.
Identifiers: ClinVar variation 3069221 (VCV003069221.1), dbSNP rs2546425052, ClinGen allele CA345398295.